The following is an entry in ClinVar:

ClinVar aggregate classification (germline): Uncertain significance (1 of 4 stars; one submission).

Conditions:
Inborn genetic diseases. Identifiers: MedGen C0950123, MeSH D030342.

gnomAD v4.1: 11 of 1,276,658 alleles (0.00086%); highest among the groups gnomAD compares: South Asian, 0.03%; no homozygotes.

Submission:

Ambry Genetics
Classification: Uncertain significance for Inborn genetic diseases. Last evaluated: 2026-08-31. Review status: criteria provided, single submitter. Criteria: Ambry Variant Classification Scheme 2023. Collection method: clinical testing. Allele origin: germline.
Comment: The p.P62R variant (also known as c.185C>G), located in coding exon 1 of the SMAD6 gene, results from a C to G substitution at nucleotide position 185. The proline at codon 62 is replaced by arginine, an amino acid with dissimilar properties. This amino acid position is conserved. In addition, this alteration is predicted to be tolerated by in silico analysis. Based on the available evidence, the clinical significance of this variant remains unclear.

NM_005585.5(SMAD6):c.185C>G (p.Pro62Arg)

Gene: SMAD6 (SMAD family member 6; plus strand). Cytogenetic location: 15q22.31.
Variant type: single nucleotide variant.
Coding change: c.185C>G on transcript NM_005585.5 (MANE Select); coding-DNA position 185, C replaced by G.
Protein change: p.Pro62Arg; replaces proline 62 with arginine.
Molecular consequence: missense variant. On other transcripts: non-coding transcript variant (1).
Genome position (GRCh38, 1-based): chr15:66,703,443, C>G. VCF-style: chr15-66703443-C-G. GRCh37 (hg19) VCF-style: chr15-66995781-C-G.
Other names: short protein forms P62R.
Identifiers: ClinVar variation 5029781 (VCV005029781.1).